The following is an entry in ClinVar:

ClinVar aggregate classification (germline): Pathogenic. Review status: criteria provided, multiple submitters, no conflicts (2 of 4 stars). 3 submissions from 3 submitters: Pathogenic (3). Last evaluated 2026-08-13.

Conditions:
Polycystic kidney disease 2 (PKD2). Also called: Polycystic Kidney Disease 2, Autosomal Dominant; POLYCYSTIC KIDNEY DISEASE, ADULT, TYPE II; POLYCYSTIC KIDNEY DISEASE 2 WITH OR WITHOUT POLYCYSTIC LIVER DISEASE. Identifiers: MedGen C2751306, MONDO:0013131, OMIM 613095.

Submissions (3):

Clinical Genetics Laboratory, Skane University Hospital Lund
Classification: Pathogenic for Polycystic kidney disease 2. Last evaluated: 2026-08-13. Review status: criteria provided, single submitter. Criteria: ACMG Guidelines, 2015. Collection method: clinical testing. Allele origin: germline. Affected: yes.
Comment: ACMG criteria used: PVS1, PS4_Supporting, PM2, PP1, PP4_Strong.

GeneDx
Classification: Pathogenic. Last evaluated: 2025-02-12. Review status: criteria provided, single submitter. Criteria: GeneDx Variant Classification Process June 2021. Collection method: clinical testing. Allele origin: germline. Affected: yes.
Comment: Frameshift variant predicted to result in protein truncation or nonsense mediated decay in a gene for which loss of function is a known mechanism of disease; Not observed at significant frequency in large population cohorts (gnomAD); This variant is associated with the following publications: (PMID: 29395486)

Fulgent Genetics
Classification: Pathogenic for Polycystic kidney disease 2. Last evaluated: 2024-03-19. Review status: criteria provided, single submitter. Criteria: ACMG Guidelines, 2015. Collection method: clinical testing. Allele origin: germline.

NM_000297.4(PKD2):c.715_718dup (p.Gly240fs)

Gene: PKD2 (polycystin 2, transient receptor potential cation channel; plus strand). Cytogenetic location: 4q22.1.
Variant type: Duplication.
Coding change: c.715_718dup on transcript NM_000297.4 (MANE Select); coding-DNA positions 715 to 718, 4 bases duplicated (TACG; older notation c.715_718dupTACG).
Protein change: p.Gly240fs; shifts the reading frame from glycine 240.
Molecular consequence: frameshift variant. On other transcripts: non-coding transcript variant (1).
Genome position (GRCh38, 1-based): chr4:88,036,225-88,036,228, TACG duplicated. VCF-style (leftmost placement, unchanged base first): chr4-88036224-C-CTACG. GRCh37 (hg19) VCF-style: chr4-88957376-C-CTACG.
Other names: c.715_718dup (NM_000297.3); short protein forms G240fs.
Identifiers: ClinVar variation 3591359 (VCV003591359.3).